The following is an entry in ClinVar:

NM_001101.5(ACTB):c.793T>G (p.Ser265Ala)

Gene: ACTB (actin beta; minus strand). Cytogenetic location: 7p22.1.
Variant type: single nucleotide variant.
Coding change: c.793T>G on transcript NM_001101.5 (MANE Select); coding-DNA position 793, T replaced by G.
Protein change: p.Ser265Ala; replaces serine 265 with alanine.
Molecular consequence: missense variant.
Genome position (GRCh38, 1-based): chr7:5,528,290, A>C on the plus strand (T>G on the coding strand, the complement: ACTB is on the minus strand). VCF-style: chr7-5528290-A-C. GRCh37 (hg19) VCF-style: chr7-5567921-A-C.
Other names: short protein forms S265A.
Identifiers: ClinVar variation 3906891 (VCV003906891.1).
Genomic context (GRCh38, chr7:5,528,290, plus strand): 5'-CCGAGGGGTAACCCTCATGTCAGGCAGAGCCGGGAGACAGTCTCCACTCACCCAGGAAGG[A>C]AGGCTGGAAGAGTGCCTCAGGGCAGCGGAACCGCTCATTGCCAATGGTGATGACCTGGCC-3'
Protein context (NP_001092.1, residues 255-275): FRCPEALFQP[Ser265Ala]FLGMESCGIH

ClinVar aggregate classification (germline): Uncertain significance (1 of 4 stars; one submission).

Conditions:
Dystonic disorder. Also called: Dystonia. Identifiers: MedGen C0013421, MONDO:0003441, HP:0001332.

Submission:

Clinical Genetics Laboratory, Skane University Hospital Lund
Classification: Uncertain significance for Dystonic disorder. Last evaluated: 2025-06-26. Review status: criteria provided, single submitter. Criteria: ACMG Guidelines, 2015. Collection method: clinical testing. Allele origin: germline. Affected: yes.
Comment: ACMG criteria used: PM2, PP2